The following is an entry in ClinVar:

NM_001099274.3(TINF2):c.1087C>T (p.Pro363Ser)

Gene: TINF2 (TERF1 interacting nuclear factor 2; minus strand). Cytogenetic location: 14q12.
Variant type: single nucleotide variant.
Coding change: c.1087C>T on transcript NM_001099274.3 (MANE Select); coding-DNA position 1087, C replaced by T.
Protein change: p.Pro363Ser; replaces proline 363 with serine.
Molecular consequence: missense variant. On other transcripts: 3 prime UTR variant (1).
Genome position (GRCh38, 1-based): chr14:24,240,305, G>A on the plus strand (C>T on the coding strand, the complement: TINF2 is on the minus strand). VCF-style: chr14-24240305-G-A. GRCh37 (hg19) VCF-style: chr14-24709511-G-A.
Other names: c.982C>T, p.Pro328Ser (NM_001363668.2); c.*110C>T (NM_012461.3); short protein forms P328S, P363S.
Identifiers: ClinVar variation 2182949 (VCV002182949.4), dbSNP rs2502452533, ClinGen allele CA389222828.

ClinVar aggregate classification (germline): Uncertain significance (1 of 4 stars; one submission).

Conditions:
Dyskeratosis congenita. Identifiers: Orphanet 1775, MedGen C0265965, MONDO:0015780.

Allele frequency attached by ClinVar (database versions not stated): gnomAD exomes below 0.00001.
gnomAD v4.1: 1 of 1,613,922 alleles (0.000062%); highest among the groups gnomAD compares: Middle Eastern, 0.017%; no homozygotes.

Submission:

Labcorp Genetics (formerly Invitae), Labcorp
Classification: Uncertain significance for Dyskeratosis congenita. Last evaluated: 2025-02-17. Review status: criteria provided, single submitter. Criteria: Invitae Variant Classification Sherloc (09022015). Collection method: clinical testing. Allele origin: germline.
Comment: This sequence change replaces proline, which is neutral and non-polar, with serine, which is neutral and polar, at codon 363 of the TINF2 protein (p.Pro363Ser). This variant is not present in population databases (gnomAD no frequency). This variant has not been reported in the literature in individuals affected with TINF2-related conditions. ClinVar contains an entry for this variant (Variation ID: 2182949). An algorithm developed to predict the effect of missense changes on protein structure and function (PolyPhen-2) suggests that this variant is likely to be disruptive. In summary, the available evidence is currently insufficient to determine the role of this variant in disease. Therefore, it has been classified as a Variant of Uncertain Significance.